The following is an entry in ClinVar:

NM_004423.4(DVL3):c.699G>A (p.Ser233=)

Gene: DVL3 (dishevelled segment polarity protein 3; plus strand). Cytogenetic location: 3q27.1.
Variant type: single nucleotide variant.
Coding change: c.699G>A on transcript NM_004423.4 (MANE Select); coding-DNA position 699, G replaced by A.
Protein change: p.Ser233=; no amino-acid change (serine 233 retained).
Molecular consequence: synonymous variant.
Genome position (GRCh38, 1-based): chr3:184,165,427, G>A. VCF-style: chr3-184165427-G-A. GRCh37 (hg19) VCF-style: chr3-183883215-G-A.
Identifiers: ClinVar variation 1548135 (VCV001548135.22), dbSNP rs114642851, ClinGen allele CA2727213.
Genomic context (GRCh38, chr3:184,165,427, plus strand): 5'-TGGGAGTGAATTCCTGCCACCTCCACCTGCTGCTCAGGGCCTCTGTCTATTCCAGTCCTC[G>A]TCCTTCAGCAGCATCACGGACTCCACCATGTCACTCAACATCATCACGGTCACTCTCAAC-3'
Protein context (NP_004414.3, residues 223-243): KQKVSRIERS[Ser233=]SFSSITDSTM

ClinVar aggregate classification (germline): Likely benign. Review status: criteria provided, multiple submitters, no conflicts (2 of 4 stars). 3 submissions from 3 submitters: Likely benign (3). Last evaluated 2025-10-13.

Allele frequency attached by ClinVar (database versions not stated): gnomAD exomes 0.00028 and 0.00042; ExAC 0.00030; TOPMed 0.00031; gnomAD 0.00035 and 0.00036; ESP Exome Variant Server 0.00062; 1000 Genomes Project 0.00080; 1000 Genomes Project 30x 0.00094.
gnomAD v4.1: 676 of 1,613,984 alleles (0.042%); highest among the groups gnomAD compares: Non-Finnish European, 0.052%; 2 homozygotes.

Submissions (3):

Labcorp Genetics (formerly Invitae), Labcorp
Classification: Likely benign. Last evaluated: 2025-10-13. Review status: criteria provided, single submitter. Criteria: Invitae Variant Classification Sherloc (09022015). Collection method: clinical testing. Allele origin: germline.

CeGaT Center for Human Genetics Tuebingen
Classification: Likely benign. Last evaluated: 2024-12-01. Review status: criteria provided, single submitter. Criteria: CeGaT Center For Human Genetics Tuebingen Variant Classification Criteria Version 2. Collection method: clinical testing. Allele origin: germline. Affected: yes. Observed: 1 variant allele.
Comment: DVL3: BP4, BP7

Blueprint Genetics
Classification: Likely benign. Last evaluated: 2024-11-13. Review status: criteria provided, single submitter. Criteria: ACMG Guidelines, 2015. Collection method: clinical testing. Allele origin: germline.